The following is an entry in ClinVar:

ClinVar aggregate classification (germline): Uncertain significance. Review status: criteria provided, multiple submitters, no conflicts (2 of 4 stars). 2 submissions from 2 submitters: Uncertain significance (2). Last evaluated 2024-03-16.

Conditions:
Epidermolysis bullosa simplex 5C, with pyloric atresia (EBS5C). Also called: PLEC-Related Epidermolysis Bullosa with Pyloric Atresia; Epidermolysis bullosa simplex with pyloric atresia; PLEC1-Related Epidermolysis Bullosa with Pyloric Atresia. Identifiers: Orphanet 158684, MedGen C2677349, MONDO:0012807, OMIM 612138.
Autosomal recessive limb-girdle muscular dystrophy type 2Q (LGMDR17). Also called: MUSCULAR DYSTROPHY, LIMB-GIRDLE, AUTOSOMAL RECESSIVE 17. Identifiers: Orphanet 254361, MedGen C3150989, MONDO:0013390, OMIM 613723.
Epidermolysis bullosa simplex 5B, with muscular dystrophy (EBS5B). Also called: EPIDERMOLYSIS BULLOSA SIMPLEX AND LIMB-GIRDLE MUSCULAR DYSTROPHY; Epidermolysis bullosa simplex with muscular dystrophy. Identifiers: Orphanet 257, MedGen C2931072, MONDO:0009181, OMIM 226670.
Epidermolysis bullosa simplex, Ogna type (EBS5A). Also called: Pidermolysis bullosa simplex 5A, Ogna type; EPIDERMOLYSIS BULLOSA SIMPLEX 5A, OGNA TYPE. Identifiers: Orphanet 79401, MedGen C0432317, MONDO:0007555, OMIM 131950.
Epidermolysis bullosa simplex with nail dystrophy (EBS5D). Identifiers: MedGen C4225309, MONDO:0014661, OMIM 616487.

Allele frequency attached by ClinVar (database versions not stated): TOPMed below 0.00001; ExAC 0.00002; gnomAD exomes 0.00002.
gnomAD v4.1: 23 of 1,611,790 alleles (0.0014%); highest among the groups gnomAD compares: East Asian, 0.0022%; no homozygotes.

Submissions (2):

Labcorp Genetics (formerly Invitae), Labcorp
Classification: Uncertain significance for Autosomal recessive limb-girdle muscular dystrophy type 2Q; Epidermolysis bullosa simplex, Ogna type; Epidermolysis bullosa simplex with nail dystrophy; Epidermolysis bullosa simplex 5C, with pyloric atresia; Epidermolysis bullosa simplex 5B, with muscular dystrophy. Last evaluated: 2024-03-16. Review status: criteria provided, single submitter. Criteria: Invitae Variant Classification Sherloc (09022015). Collection method: clinical testing. Allele origin: germline.
Comment: This sequence change replaces alanine, which is neutral and non-polar, with threonine, which is neutral and polar, at codon 2329 of the PLEC protein (p.Ala2329Thr). This variant is present in population databases (rs781812950, gnomAD 0.004%). This variant has not been reported in the literature in individuals affected with PLEC-related conditions. ClinVar contains an entry for this variant (Variation ID: 2146035). Advanced modeling of protein sequence and biophysical properties (such as structural, functional, and spatial information, amino acid conservation, physicochemical variation, residue mobility, and thermodynamic stability) performed at Invitae indicates that this missense variant is not expected to disrupt PLEC protein function with a negative predictive value of 80%. In summary, the available evidence is currently insufficient to determine the role of this variant in disease. Therefore, it has been classified as a Variant of Uncertain Significance.

Blueprint Genetics
Classification: Uncertain significance. Last evaluated: 2024-02-27. Review status: criteria provided, single submitter. Criteria: ACMG Guidelines, 2015. Collection method: clinical testing. Allele origin: germline.

NM_201384.3(PLEC):c.6904G>A (p.Ala2302Thr)

Gene: PLEC (plectin; minus strand). Cytogenetic location: 8q24.3.
Variant type: single nucleotide variant.
Coding change: c.6904G>A on transcript NM_201384.3 (MANE Select); coding-DNA position 6904, G replaced by A.
Protein change: p.Ala2302Thr; replaces alanine 2302 with threonine.
Molecular consequence: missense variant.
Genome position (GRCh38, 1-based): chr8:143,923,025, C>T on the plus strand (G>A on the coding strand, the complement: PLEC is on the minus strand). VCF-style: chr8-143923025-C-T. GRCh37 (hg19) VCF-style: chr8-144997193-C-T.
Other names: c.6985G>A, p.Ala2329Thr (NM_000445.5); c.6862G>A, p.Ala2288Thr (NM_201378.4); c.6838G>A, p.Ala2280Thr (NM_201379.3); c.7315G>A, p.Ala2439Thr (NM_201380.4); c.6808G>A, p.Ala2270Thr (NM_201381.3); c.6904G>A, p.Ala2302Thr (NM_201382.4); c.6916G>A, p.Ala2306Thr (NM_201383.3); short protein forms A2270T, A2280T, A2306T, A2302T, A2329T, A2439T, A2288T.
Identifiers: ClinVar variation 2146035 (VCV002146035.5), dbSNP rs781812950, ClinGen allele CA4925814.
Genomic context (GRCh38, chr8:143,923,025, plus strand): 5'-CCTCCTGCACCGCCTGCATCTTCTCCTTGAGCATCTTCTCTGCCAAGGCCCGCTGCTGTG[C>T]CAGGTCCTCCTCTGCCAGCTGCCGCAGTCGCGCAGCCTCTTGGGCCGCCACACTCAGCCG-3'
Protein context (NP_958786.1, residues 2292-2312): RLRQLAEEDL[Ala2302Thr]QQRALAEKML